The following is an entry in ClinVar:

ClinVar aggregate classification (germline): Uncertain significance. Review status: criteria provided, multiple submitters, no conflicts (2 of 4 stars). 2 submissions from 2 submitters: Uncertain significance (2). Last evaluated 2022-06-23.

Conditions:
Inborn genetic diseases. Identifiers: MedGen C0950123, MeSH D030342.

Allele frequency attached by ClinVar (database versions not stated): gnomAD exomes 0.00001; ExAC 0.00002; TOPMed 0.00001.
gnomAD v4.1: 1 of 1,614,132 alleles (0.000062%); highest among the groups gnomAD compares: Admixed American, 0.0017%; no homozygotes.

Submissions (2):

Ambry Genetics
Classification: Uncertain significance for Inborn genetic diseases. Last evaluated: 2022-06-23. Review status: criteria provided, single submitter. Criteria: Ambry Variant Classification Scheme 2023. Collection method: clinical testing. Allele origin: germline.

Labcorp Genetics (formerly Invitae), Labcorp
Classification: Uncertain significance. Last evaluated: 2021-08-28. Review status: criteria provided, single submitter. Criteria: Invitae Variant Classification Sherloc (09022015). Collection method: clinical testing. Allele origin: germline.
Comment: This sequence change replaces cysteine with glycine at codon 3003 of the CPLANE1 protein (p.Cys3003Gly). The cysteine residue is weakly conserved and there is a large physicochemical difference between cysteine and glycine. This variant is present in population databases (rs760027584, ExAC 0.02%). This variant has not been reported in the literature in individuals affected with CPLANE1-related conditions. Algorithms developed to predict the effect of missense changes on protein structure and function (SIFT, PolyPhen-2, Align-GVGD) all suggest that this variant is likely to be tolerated. In summary, the available evidence is currently insufficient to determine the role of this variant in disease. Therefore, it has been classified as a Variant of Uncertain Significance.

NM_001384732.1(CPLANE1):c.9169T>G (p.Cys3057Gly)

Gene: CPLANE1 (ciliogenesis and planar polarity effector complex subunit 1; minus strand). Cytogenetic location: 5p13.2.
Variant type: single nucleotide variant.
Coding change: c.9169T>G on transcript NM_001384732.1 (MANE Select); coding-DNA position 9169, T replaced by G.
Protein change: p.Cys3057Gly; replaces cysteine 3057 with glycine.
Molecular consequence: missense variant.
Genome position (GRCh38, 1-based): chr5:37,121,633, A>C on the plus strand (T>G on the coding strand, the complement: CPLANE1 is on the minus strand). VCF-style: chr5-37121633-A-C. GRCh37 (hg19) VCF-style: chr5-37121735-A-C.
Other names: c.9007T>G, p.Cys3003Gly (NM_023073.4); short protein forms C3003G, C3057G.
Identifiers: ClinVar variation 643028 (VCV000643028.8), dbSNP rs760027584, ClinGen allele CA3237554.